The following is an entry in ClinVar:

NM_014003.4(DHX38):c.1127G>T (p.Arg376Leu)

Gene: DHX38 (DEAH-box helicase 38; plus strand). Cytogenetic location: 16q22.2.
Variant type: single nucleotide variant.
Coding change: c.1127G>T on transcript NM_014003.4 (MANE Select); coding-DNA position 1127, G replaced by T.
Protein change: p.Arg376Leu; replaces arginine 376 with leucine.
Molecular consequence: missense variant.
Genome position (GRCh38, 1-based): chr16:72,100,446, G>T. VCF-style: chr16-72100446-G-T. GRCh37 (hg19) VCF-style: chr16-72134345-G-T.
Other names: short protein forms R376L.
Identifiers: ClinVar variation 937035 (VCV000937035.7), dbSNP rs902688833, ClinGen allele CA283679543.

ClinVar aggregate classification (germline): Uncertain significance. Review status: criteria provided, multiple submitters, no conflicts (2 of 4 stars). 2 submissions from 2 submitters: Uncertain significance (2). Last evaluated 2022-01-12.

Allele frequency attached by ClinVar (database versions not stated): gnomAD exomes 0.00001; gnomAD 0.00002; TOPMed 0.00003.
gnomAD v4.1: 59 of 1,613,892 alleles (0.0037%); highest among the groups gnomAD compares: Non-Finnish European, 0.0047%; no homozygotes.

Submissions (2):

Blueprint Genetics
Classification: Uncertain significance. Last evaluated: 2022-01-12. Review status: criteria provided, single submitter. Criteria: ACMG Guidelines, 2015. Collection method: clinical testing. Allele origin: germline.

Labcorp Genetics (formerly Invitae), Labcorp
Classification: Uncertain significance. Last evaluated: 2021-08-31. Review status: criteria provided, single submitter. Criteria: Invitae Variant Classification Sherloc (09022015). Collection method: clinical testing. Allele origin: germline.
Comment: This sequence change replaces arginine with leucine at codon 376 of the DHX38 protein (p.Arg376Leu). The arginine residue is highly conserved and there is a moderate physicochemical difference between arginine and leucine. This variant is not present in population databases (ExAC no frequency). This variant has not been reported in the literature in individuals affected with DHX38-related conditions. Algorithms developed to predict the effect of missense changes on protein structure and function (SIFT, PolyPhen-2, Align-GVGD) all suggest that this variant is likely to be tolerated. In summary, the available evidence is currently insufficient to determine the role of this variant in disease. Therefore, it has been classified as a Variant of Uncertain Significance.